The following is an entry in ClinVar:

ClinVar aggregate classification (germline): Uncertain significance (1 of 4 stars; one submission).

Conditions:
Inborn genetic diseases. Identifiers: MedGen C0950123, MeSH D030342.

Submission:

Ambry Genetics
Classification: Uncertain significance for Inborn genetic diseases. Last evaluated: 2025-06-08. Review status: criteria provided, single submitter. Criteria: Ambry Variant Classification Scheme 2023. Collection method: clinical testing. Allele origin: germline.
Comment: The p.C8R variant (also known as c.22T>C), located in coding exon 1 of the ETV6 gene, results from a T to C substitution at nucleotide position 22. The cysteine at codon 8 is replaced by arginine, an amino acid with highly dissimilar properties. This amino acid position is conserved. In addition, this alteration is predicted to be tolerated by in silico analysis. Based on the available evidence, the clinical significance of this variant remains unclear.

NM_001987.5(ETV6):c.22T>C (p.Cys8Arg)

Gene: ETV6 (ETS variant transcription factor 6; plus strand). Cytogenetic location: 12p13.2.
Variant type: single nucleotide variant.
Coding change: c.22T>C on transcript NM_001987.5 (MANE Select); coding-DNA position 22, T replaced by C.
Protein change: p.Cys8Arg; replaces cysteine 8 with arginine.
Molecular consequence: missense variant. On other transcripts: 5 prime UTR variant (2).
Genome position (GRCh38, 1-based): chr12:11,650,149, T>C. VCF-style: chr12-11650149-T-C. GRCh37 (hg19) VCF-style: chr12-11803083-T-C.
Other names: c.22T>C, p.Cys8Arg (NM_001413913.1, NM_001413916.1, NM_001413917.1 and 1 more transcripts); c.-131T>C (NM_001413914.1); c.-113T>C (NM_001413915.1); short protein forms C8R.
Identifiers: ClinVar variation 4020128 (VCV004020128.1).